The following is an entry in ClinVar:

ClinVar aggregate classification (germline): Conflicting classifications of pathogenicity. Review status: criteria provided, conflicting classifications (1 of 4 stars). 2 submissions from 2 submitters: Uncertain significance (1); Likely benign (1). Last evaluated 2024-05-02.

Conditions:
Kabuki syndrome 2 (KABUK2). Also called: KDM6A-Related Kabuki Syndrome. Identifiers: Orphanet 2322, MedGen C3275495, MONDO:0010465, OMIM 300867.

Submissions (2):

Labcorp Genetics (formerly Invitae), Labcorp
Classification: Likely benign for Kabuki syndrome 2. Last evaluated: 2024-05-02. Review status: criteria provided, single submitter. Criteria: Invitae Variant Classification Sherloc (09022015). Collection method: clinical testing. Allele origin: germline.

GeneDx
Classification: Uncertain significance. Last evaluated: 2022-02-10. Review status: criteria provided, single submitter. Criteria: GeneDx Variant Classification Process June 2021. Collection method: clinical testing. Allele origin: germline. Affected: yes.
Comment: In-silico analysis, which includes splice predictors and evolutionary conservation, is inconclusive as to whether the variant alters gene splicing. In the absence of RNA/functional studies, the actual effect of this sequence change is unknown.; Has not been previously published as pathogenic or benign to our knowledge

NM_001291415.2(KDM6A):c.162-12_162-11del

Genes: KDM6A (lysine demethylase 6A; plus strand), LOC130068183 (ATAC-STARR-seq lymphoblastoid silent region 20785; plus strand). Cytogenetic location: Xp11.3.
Variant type: Deletion.
Coding change: c.162-12_162-11del on transcript NM_001291415.2 (MANE Select); 12 bases into the intron before coding-DNA position 162 through 11 bases into the intron before coding-DNA position 162, 2 bases deleted (CT; older notation c.162-12_162-11delCT).
Molecular consequence: intron variant.
Genome position (GRCh38, 1-based): chrX:44,873,912-44,873,913, CT deleted; deleting any 2 consecutive bases within chrX:44,873,911-44,873,913 gives the same sequence; the c. name uses the placement nearest the transcript's 3' end. VCF-style (leftmost placement, unchanged base first): chrX-44873910-GTC-G. GRCh37 (hg19) VCF-style: chrX-44733156-GTC-G.
Other names: c.162-12_162-11del (NM_021140.4, NM_001291416.2, NM_001291417.2 and 1 more transcripts); c.-471-12_-471-11del (NM_001291421.2).
Identifiers: ClinVar variation 1341614 (VCV001341614.6), dbSNP rs774436229, ClinGen allele CA10392121.